The following is an entry in ClinVar:

NM_024753.5(TTC21B):c.1727T>C (p.Met576Thr)

Gene: TTC21B (tetratricopeptide repeat domain 21B; minus strand). Cytogenetic location: 2q24.3.
Variant type: single nucleotide variant.
Coding change: c.1727T>C on transcript NM_024753.5 (MANE Select); coding-DNA position 1727, T replaced by C.
Protein change: p.Met576Thr; replaces methionine 576 with threonine.
Molecular consequence: missense variant.
Genome position (GRCh38, 1-based): chr2:165,917,429, A>G on the plus strand (T>C on the coding strand, the complement: TTC21B is on the minus strand). VCF-style: chr2-165917429-A-G. GRCh37 (hg19) VCF-style: chr2-166773939-A-G.
Other names: short protein forms M576T.
Identifiers: ClinVar variation 4979621 (VCV004979621.1).
Genomic context (GRCh38, chr2:165,917,429, plus strand): 5'-TTCATTCCTGGTAAACTCATTGCCATATGCAGTGTTTTAATTGCGTCTGCTATTTCTCCC[A>G]TTTTCTTTTGTGACTGAGCTTTTATCAAATGGTATAAAGGATAGTCTCTCACCTGAAGAA-3'
Protein context (NP_079029.3, residues 566-586): HLIKAQSQKK[Met576Thr]GEIADAIKTL

ClinVar aggregate classification (germline): Uncertain significance (1 of 4 stars; one submission).

Conditions:
TTC21B-related disorder. Also called: TTC21B-related condition; TTC21B-related disorders.

gnomAD v4.1: 7 of 1,613,940 alleles (0.00043%); highest among the groups gnomAD compares: Non-Finnish European, 0.00059%; no homozygotes.

Submission:

PreventionGenetics, part of Exact Sciences
Classification: Uncertain significance for TTC21B-related condition. Last evaluated: 2025-03-27. Review status: criteria provided, single submitter. Criteria: ACMG Guidelines, 2015. Collection method: clinical testing. Allele origin: germline.
Comment: The TTC21B c.1727T>C variant is predicted to result in the amino acid substitution p.Met576Thr. To our knowledge, this variant has not been reported in the literature or in a large population database (gnomAD), indicating this variant is rare. At this time, the clinical significance of this variant is uncertain due to the absence of conclusive functional and genetic evidence.